The following is an entry in ClinVar:

ClinVar aggregate classification (germline): Conflicting classifications of pathogenicity. Review status: criteria provided, conflicting classifications (1 of 4 stars). 2 submissions from 2 submitters: Uncertain significance (1); Likely benign (1). Last evaluated 2026-04-01.

Conditions:
Hereditary cancer-predisposing syndrome. Also called: Hereditary Cancer Syndrome; Neoplastic Syndromes, Hereditary; Tumor predisposition; Hereditary neoplastic syndrome. Identifiers: Orphanet 140162, MedGen C0027672, MeSH D009386, MONDO:0015356.
EGFR-related lung cancer (EGFR). Identifiers: MedGen CN130014.

gnomAD v4.1: 1 of 1,614,146 alleles (0.000062%); highest among the groups gnomAD compares: South Asian, 0.0011%; no homozygotes.

Submissions (2):

Ambry Genetics
Classification: Likely benign for Hereditary cancer-predisposing syndrome. Last evaluated: 2026-04-01. Review status: criteria provided, single submitter. Criteria: Ambry Variant Classification Scheme 2023. Collection method: clinical testing. Allele origin: germline.

Labcorp Genetics (formerly Invitae), Labcorp
Classification: Uncertain significance for EGFR-related lung cancer. Last evaluated: 2025-07-22. Review status: criteria provided, single submitter. Criteria: Invitae Variant Classification Sherloc (09022015). Collection method: clinical testing. Allele origin: germline.
Comment: This sequence change replaces glycine, which is neutral and non-polar, with valine, which is neutral and non-polar, at codon 1189 of the EGFR protein (p.Gly1189Val). This variant is not present in population databases (gnomAD no frequency). This variant has not been reported in the literature in individuals affected with EGFR-related conditions. ClinVar contains an entry for this variant (Variation ID: 957083). An algorithm developed to predict the effect of missense changes on protein structure and function outputs the following: PolyPhen-2: "Benign". The valine amino acid residue is found in multiple mammalian species, which suggests that this missense change does not adversely affect protein function. In summary, the available evidence is currently insufficient to determine the role of this variant in disease. Therefore, it has been classified as a Variant of Uncertain Significance.

NM_005228.5(EGFR):c.3566G>T (p.Gly1189Val)

Gene: EGFR (epidermal growth factor receptor; plus strand). Cytogenetic location: 7p11.2.
Variant type: single nucleotide variant.
Coding change: c.3566G>T on transcript NM_005228.5 (MANE Select); coding-DNA position 3566, G replaced by T.
Protein change: p.Gly1189Val; replaces glycine 1189 with valine.
Molecular consequence: missense variant.
Genome position (GRCh38, 1-based): chr7:55,205,550, G>T. VCF-style: chr7-55205550-G-T. GRCh37 (hg19) VCF-style: chr7-55273243-G-T.
Other names: c.3431G>T, p.Gly1144Val (NM_001346899.2); c.3407G>T, p.Gly1136Val (NM_001346900.2); c.2765G>T, p.Gly922Val (NM_001346941.2); short protein forms G1144V, G1189V, G1136V, G922V.
Identifiers: ClinVar variation 957083 (VCV000957083.8), dbSNP rs747600559, ClinGen allele CA367584910.